The following is an entry in ClinVar:

NM_001364905.1(LRBA):c.4714A>T (p.Asn1572Tyr)

Gene: LRBA (LPS responsive beige-like anchor protein; minus strand). Cytogenetic location: 4q31.3.
Variant type: single nucleotide variant.
Coding change: c.4714A>T on transcript NM_001364905.1 (MANE Select); coding-DNA position 4714, A replaced by T.
Protein change: p.Asn1572Tyr; replaces asparagine 1572 with tyrosine.
Molecular consequence: missense variant.
Genome position (GRCh38, 1-based): chr4:150,831,832, T>A on the plus strand (A>T on the coding strand, the complement: LRBA is on the minus strand). VCF-style: chr4-150831832-T-A. GRCh37 (hg19) VCF-style: chr4-151752984-T-A.
Other names: c.4714A>T, p.Asn1572Tyr (NM_001199282.3, NM_001367550.1, NM_006726.5); short protein forms N1572Y.
Identifiers: ClinVar variation 956298 (VCV000956298.7), dbSNP rs368533356, ClinGen allele CA3102677.
Genomic context (GRCh38, chr4:150,831,832, plus strand): 5'-ATTTATTTGAACTTTGGTACAAAGGAATAGAAAATGCAAACTTACCAGAGAGTGATACAT[T>A]CTCATTTTCACTGCCAGTTTCTGTACATGACTGGCTATGCCTTTCATTTTGGGGTTCCAA-3'
Protein context (NP_001351834.1, residues 1562-1582): SCTETGSENE[Asn1572Tyr]VSLSEITPAA

ClinVar aggregate classification (germline): Uncertain significance (1 of 4 stars; one submission).

Conditions:
Combined immunodeficiency due to LRBA deficiency. Also called: Common variable immunodeficiency 8, with autoimmunity. Identifiers: Orphanet 445018, MedGen C3553512, MONDO:0013863, OMIM 614700.

Allele frequency attached by ClinVar (database versions not stated): gnomAD exomes below 0.00001; ExAC 0.00001; gnomAD 0.00001; TOPMed 0.00004; ESP Exome Variant Server 0.00008.
gnomAD v4.1: 7 of 1,597,110 alleles (0.00044%); highest among the groups gnomAD compares: African/African-American, 0.0067%; no homozygotes.

Submission:

Labcorp Genetics (formerly Invitae), Labcorp
Classification: Uncertain significance for Combined immunodeficiency due to LRBA deficiency. Last evaluated: 2022-08-23. Review status: criteria provided, single submitter. Criteria: Invitae Variant Classification Sherloc (09022015). Collection method: clinical testing. Allele origin: germline.
Comment: This sequence change replaces asparagine, which is neutral and polar, with tyrosine, which is neutral and polar, at codon 1572 of the LRBA protein (p.Asn1572Tyr). This variant is present in population databases (rs368533356, gnomAD 0.007%). This variant has not been reported in the literature in individuals affected with LRBA-related conditions. ClinVar contains an entry for this variant (Variation ID: 956298). Algorithms developed to predict the effect of missense changes on protein structure and function (SIFT, PolyPhen-2, Align-GVGD) all suggest that this variant is likely to be tolerated. Algorithms developed to predict the effect of sequence changes on RNA splicing suggest that this variant may create or strengthen a splice site. In summary, the available evidence is currently insufficient to determine the role of this variant in disease. Therefore, it has been classified as a Variant of Uncertain Significance.